The following is an entry in ClinVar:

ClinVar aggregate classification (germline): Conflicting classifications of pathogenicity. Review status: criteria provided, conflicting classifications (1 of 4 stars). 5 submissions from 5 submitters: Uncertain significance (2); Benign (2); Likely benign (1). Last evaluated 2025-12-23.

Conditions:
Hereditary cancer-predisposing syndrome. Also called: Tumor predisposition; Neoplastic Syndromes, Hereditary; Hereditary neoplastic syndrome; Hereditary Cancer Syndrome. Identifiers: Orphanet 140162, MedGen C0027672, MeSH D009386, MONDO:0015356.
Neurofibromatosis, type 2 (SWNV). Also called: NF2-Related Schwannomatosis; BILATERAL ACOUSTIC NEUROFIBROMATOSIS; SCHWANNOMATOSIS, VESTIBULAR. Identifiers: Orphanet 637, MedGen C0027832, MONDO:0007039, OMIM 101000. Disease mechanism: loss of function.

Allele frequency attached by ClinVar (database versions not stated): ExAC 0.00001; gnomAD exomes 0.00001; TOPMed 0.00002; gnomAD 0.00013.
gnomAD v4.1: 19 of 1,614,142 alleles (0.0012%); highest among the groups gnomAD compares: African/African-American, 0.013%; no homozygotes.

Submissions (5):

Labcorp Genetics (formerly Invitae), Labcorp
Classification: Likely benign for Neurofibromatosis, type 2. Last evaluated: 2025-12-23. Review status: criteria provided, single submitter. Criteria: Invitae Variant Classification Sherloc (09022015). Collection method: clinical testing. Allele origin: germline.

Color Diagnostics, LLC DBA Color Health
Classification: Benign for Neurofibromatosis, type 2. Last evaluated: 2025-09-10. Review status: criteria provided, single submitter. Criteria: ACMG Guidelines, 2015. Collection method: clinical testing. Allele origin: germline.

All of Us Research Program, National Institutes of Health
Classification: Uncertain significance for Neurofibromatosis, type 2. Last evaluated: 2023-12-01. Review status: criteria provided, single submitter. Criteria: ACMG Guidelines, 2015. Collection method: clinical testing. Allele origin: germline. Inheritance: Autosomal dominant inheritance. Observed: 2 variant alleles, 2 heterozygotes.
Comment: This missense variant replaces glycine with serine at codon 218 of the NF2 protein. Computational prediction suggests that this variant may have deleterious impact on protein structure and function (internally defined REVEL score threshold >= 0.7, PMID: 27666373). To our knowledge, functional studies have not been reported for this variant. This variant has not been reported in individuals affected with NF2-related disorders in the literature. This variant has been identified in 6/282880 chromosomes in the general population by the Genome Aggregation Database (gnomAD). The available evidence is insufficient to determine the role of this variant in disease conclusively. Therefore, this variant is classified as a Variant of Uncertain Significance.

This study involves interpretation of variants in research participants for the purpose of population health screening. Participant phenotype was not available at the time of variant classification. Additional details can be found in publication PMID: 35346344, PMCID: PMC8962531

GeneDx
Classification: Uncertain significance. Last evaluated: 2023-06-08. Review status: criteria provided, single submitter. Criteria: GeneDx Variant Classification Process June 2021. Collection method: clinical testing. Allele origin: germline. Affected: yes.
Comment: In silico analysis supports that this missense variant has a deleterious effect on protein structure/function; Has not been previously published as pathogenic or benign to our knowledge; This variant is associated with the following publications: (PMID: Javaid2021[Computational], 11756419, 16324214)

Ambry Genetics
Classification: Benign for Hereditary cancer-predisposing syndrome. Last evaluated: 2021-05-07. Review status: criteria provided, single submitter. Criteria: Ambry Variant Classification Scheme 2023. Collection method: clinical testing. Allele origin: germline.

NM_000268.4(NF2):c.652G>A (p.Gly218Ser)

Gene: NF2 (NF2, moesin-ezrin-radixin like (MERLIN) tumor suppressor; plus strand). Cytogenetic location: 22q12.2.
Variant type: single nucleotide variant.
Coding change: c.652G>A on transcript NM_000268.4 (MANE Select); coding-DNA position 652, G replaced by A.
Protein change: p.Gly218Ser; replaces glycine 218 with serine.
Molecular consequence: missense variant. On other transcripts: non-coding transcript variant (1), intron variant (1).
Genome position (GRCh38, 1-based): chr22:29,658,241, G>A. VCF-style: chr22-29658241-G-A. GRCh37 (hg19) VCF-style: chr22-30054230-G-A.
Other names: c.652G>A, p.Gly218Ser (NM_016418.5, NM_181825.3, NM_181832.3); c.526G>A, p.Gly176Ser (NM_181828.3); c.529G>A, p.Gly177Ser (NM_181829.3); c.403G>A, p.Gly135Ser (NM_181830.3, NM_181831.3); c.447+15956G>A (NM_181833.3); short protein forms G218S, G176S, G135S, G177S.
Identifiers: ClinVar variation 569350 (VCV000569350.13), dbSNP rs776818377, ClinGen allele CA034547.